The following is an entry in ClinVar:

NM_015681.6(B9D1):c.103G>A (p.Val35Met)

Gene: B9D1 (B9 domain containing 1; minus strand). Cytogenetic location: 17p11.2.
Variant type: single nucleotide variant.
Coding change: c.103G>A on transcript NM_015681.6 (MANE Select); coding-DNA position 103, G replaced by A.
Protein change: p.Val35Met; replaces valine 35 with methionine.
Molecular consequence: missense variant. On other transcripts: 5 prime UTR variant (1).
Genome position (GRCh38, 1-based): chr17:19,360,349, C>T on the plus strand (G>A on the coding strand, the complement: B9D1 is on the minus strand). VCF-style: chr17-19360349-C-T. GRCh37 (hg19) VCF-style: chr17-19263662-C-T.
Other names: c.103G>A, p.Val35Met (NM_001321214.2, NM_001321215.3, NM_001321216.2 and 4 more transcripts); c.-258G>A (NM_001368769.2); short protein forms V35M.
Identifiers: ClinVar variation 1383616 (VCV001383616.6), dbSNP rs2152276184, ClinGen allele CA398699361.

ClinVar aggregate classification (germline): Uncertain significance (1 of 4 stars; one submission).

Conditions:
Joubert syndrome. Also called: CEREBELLOPARENCHYMAL DISORDER IV; JOUBERT-BOLTSHAUSER SYNDROME; Familial aplasia of the vermis. Identifiers: Orphanet 475, MedGen C5979921, MONDO:0018772.
Meckel-Gruber syndrome. Also called: DYSENCEPHALIA SPLANCHNOCYSTICA; GRUBER SYNDROME; Dysencephalia splachnocystica. Identifiers: Orphanet 564, MedGen C0265215, MONDO:0018921.

gnomAD v4.1: 2 of 1,613,946 alleles (0.00012%); highest among the groups gnomAD compares: Middle Eastern, 0.016%; no homozygotes.

Submission:

Labcorp Genetics (formerly Invitae), Labcorp
Classification: Uncertain significance for Joubert syndrome; Meckel-Gruber syndrome. Last evaluated: 2025-08-21. Review status: criteria provided, single submitter. Criteria: Invitae Variant Classification Sherloc (09022015). Collection method: clinical testing. Allele origin: germline.
Comment: This sequence change replaces valine, which is neutral and non-polar, with methionine, which is neutral and non-polar, at codon 35 of the B9D1 protein (p.Val35Met). This variant is not present in population databases (gnomAD no frequency). This variant has not been reported in the literature in individuals affected with B9D1-related conditions. ClinVar contains an entry for this variant (Variation ID: 1383616). An algorithm developed to predict the effect of missense changes on protein structure and function (PolyPhen-2) suggests that this variant is likely to be disruptive. In summary, the available evidence is currently insufficient to determine the role of this variant in disease. Therefore, it has been classified as a Variant of Uncertain Significance.